The following is an entry in ClinVar:

NC_000013.10:g.(?_32889548)_(32921053_?)del

Gene: BRCA2 (BRCA2 DNA repair associated; plus strand). Cytogenetic location: 13q13.1.
Variant type: Deletion.
Identifiers: ClinVar variation 3244166 (VCV003244166.1).

ClinVar aggregate classification (germline): Pathogenic (1 of 4 stars; one submission).

Conditions:
Hereditary breast ovarian cancer syndrome. Also called: Hereditary breast and ovarian cancer syndrome; Hereditary breast and ovarian cancer; Hereditary breast and ovarian cancer syndrome (HBOC); Breast and ovarian cancer; Hereditary breast and/or ovarian cancer syndrome; BRCA1- and BRCA2-Associated Hereditary Breast and Ovarian Cancer. Identifiers: Orphanet 145, MedGen C0677776, MeSH D061325, MONDO:0003582. Disease mechanism: loss of function.

Submission:

Labcorp Genetics (formerly Invitae), Labcorp
Classification: Pathogenic for Hereditary breast ovarian cancer syndrome. Last evaluated: 2022-04-12. Review status: criteria provided, single submitter. Criteria: Invitae Variant Classification Sherloc (09022015). Collection method: clinical testing. Allele origin: unknown.
Comment: This variant is a gross deletion of the genomic region encompassing exon(s) 1-13 of the BRCA2 gene, which includes the initiator codon. This deletion extends beyond the assayed region for this gene and therefore may encompass additional genes. It is expected to result in an absent or disrupted protein product. Loss-of-function variants in BRCA2 are known to be pathogenic (PMID: 20104584). A similar copy number variant has been observed in individual(s) with a personal and family history of breast cancer (PMID: 18703817). For these reasons, this variant has been classified as Pathogenic.

Literature cited by the submitters: PubMed 20104584; PubMed 18703817.